The following is an entry in ClinVar:

ClinVar aggregate classification (germline): Likely benign (1 of 4 stars; one submission).

Allele frequency attached by ClinVar (database versions not stated): gnomAD exomes below 0.00001.
gnomAD v4.1: 1 of 1,611,752 alleles (0.000062%); highest among the groups gnomAD compares: Non-Finnish European, 0.000085%; no homozygotes.

Submission:

Laboratory for Molecular Medicine, Mass General Brigham Personalized Medicine
Classification: Likely benign. Last evaluated: 2016-08-04. Review status: criteria provided, single submitter. Criteria: LMM Criteria. Collection method: clinical testing. Allele origin: germline. Observed: 1 variant allele.
Comment: p.Gly747Gly in exon 7 of ILDR1: This variant is not expected to have clinical si gnificance because it does not alter an amino acid residue and it is not located within the splice consensus sequence.

NM_001199799.2(ILDR1):c.1425C>A (p.Gly475=)

Gene: ILDR1 (immunoglobulin like domain containing receptor 1; minus strand). Cytogenetic location: 3q13.33.
Variant type: single nucleotide variant.
Coding change: c.1425C>A on transcript NM_001199799.2 (MANE Select); coding-DNA position 1425, C replaced by A.
Protein change: p.Gly475=; no amino-acid change (glycine 475 retained).
Molecular consequence: synonymous variant.
Genome position (GRCh38, 1-based): chr3:121,993,324, G>T on the plus strand (C>A on the coding strand, the complement: ILDR1 is on the minus strand). VCF-style: chr3-121993324-G-T. GRCh37 (hg19) VCF-style: chr3-121712171-G-T.
Other names: c.1158C>A, p.Gly386= (NM_001199800.2); c.1293C>A, p.Gly431= (NM_175924.4).
Identifiers: ClinVar variation 505235 (VCV000505235.4), dbSNP rs1183661317, ClinGen allele CA435423741.